The following is an entry in ClinVar:

NM_000051.4(ATM):c.2222A>T (p.Tyr741Phe)

Gene: ATM (ATM serine/threonine kinase; plus strand). Cytogenetic location: 11q22.3.
Variant type: single nucleotide variant.
Coding change: c.2222A>T on transcript NM_000051.4 (MANE Select); coding-DNA position 2222, A replaced by T.
Protein change: p.Tyr741Phe; replaces tyrosine 741 with phenylalanine.
Molecular consequence: missense variant.
Genome position (GRCh38, 1-based): chr11:108,256,312, A>T. VCF-style: chr11-108256312-A-T. GRCh37 (hg19) VCF-style: chr11-108127039-A-T.
Other names: c.2222A>T, p.Tyr741Phe (NM_001351834.2); short protein forms Y741F.
Identifiers: ClinVar variation 924232 (VCV000924232.8), dbSNP rs878853492, ClinGen allele CA382539130.
Genomic context (GRCh38, chr11:108,256,312, plus strand): 5'-TTTTGGTGGGTGTCCTTGGCTGCTACTGTTACATGGGTGTAATAGCTGAAGAGGAAGCAT[A>T]TAAGTCAGAATTATTCCAGAAAGCCAAGGTAGGAGAATTTATACTAATAAAGTTTCGGAT-3'
Protein context (NP_000042.3, residues 731-751): YMGVIAEEEA[Tyr741Phe]KSELFQKAKS

ClinVar aggregate classification (germline): Uncertain significance. Review status: criteria provided, multiple submitters, no conflicts (2 of 4 stars). 3 submissions from 3 submitters: Uncertain significance (3). Last evaluated 2025-11-12.

Conditions:
Hereditary cancer-predisposing syndrome. Also called: Hereditary Cancer Syndrome; Hereditary neoplastic syndrome; Neoplastic Syndromes, Hereditary; Tumor predisposition. Identifiers: Orphanet 140162, MedGen C0027672, MeSH D009386, MONDO:0015356.
Ataxia-telangiectasia syndrome (AT). Also called: Ataxia-telangiectasia, complementation group E; LOUIS-BAR SYNDROME; Cerebello-oculocutaneous telangiectasia; Immunodeficiency with ataxia telangiectasia; Ataxia-telangiectasia, complementation group D; AT, COMPLEMENTATION GROUP C. Identifiers: Orphanet 100, MedGen C0004135, MONDO:0008840, OMIM 208900.

Submissions (3):

Labcorp Genetics (formerly Invitae), Labcorp
Classification: Uncertain significance for Ataxia-telangiectasia syndrome. Last evaluated: 2025-11-12. Review status: criteria provided, single submitter. Criteria: Invitae Variant Classification Sherloc (09022015). Collection method: clinical testing. Allele origin: germline.
Comment: This sequence change replaces tyrosine, which is neutral and polar, with phenylalanine, which is neutral and non-polar, at codon 741 of the ATM protein (p.Tyr741Phe). This variant is not present in population databases (gnomAD no frequency). This variant has not been reported in the literature in individuals affected with ATM-related conditions. ClinVar contains an entry for this variant (Variation ID: 924232). Invitae Evidence Modeling of protein sequence and biophysical properties (such as structural, functional, and spatial information, amino acid conservation, physicochemical variation, residue mobility, and thermodynamic stability) indicates that this missense variant is not expected to disrupt ATM protein function with a negative predictive value of 95%. In summary, the available evidence is currently insufficient to determine the role of this variant in disease. Therefore, it has been classified as a Variant of Uncertain Significance.

Ambry Genetics
Classification: Uncertain significance for Hereditary cancer-predisposing syndrome. Last evaluated: 2025-05-01. Review status: criteria provided, single submitter. Criteria: Ambry Variant Classification Scheme 2023. Collection method: clinical testing. Allele origin: germline.
Comment: The p.Y741F variant (also known as c.2222A>T), located in coding exon 13 of the ATM gene, results from an A to T substitution at nucleotide position 2222. The tyrosine at codon 741 is replaced by phenylalanine, an amino acid with highly similar properties. This amino acid position is conserved. In addition, this alteration is predicted to be tolerated by in silico analysis. Based on the available evidence, the clinical significance of this variant remains unclear.

Color Diagnostics, LLC DBA Color Health
Classification: Uncertain significance for Hereditary cancer-predisposing syndrome. Last evaluated: 2019-12-16. Review status: criteria provided, single submitter. Criteria: ACMG Guidelines, 2015. Collection method: clinical testing. Allele origin: germline.
Comment: This missense variant replaces tyrosine with phenylalanine at codon 741 of the ATM protein. Computational prediction suggests that this variant may not impact protein structure and function (internally defined REVEL score threshold <= 0.5, PMID: 27666373). Splice site prediction tools suggest that this variant may not impact RNA splicing. To our knowledge, functional studies have not been performed for this variant. This variant has not been reported in individuals affected with hereditary cancer in the literature. This variant has not been identified in the general population by the Genome Aggregation Database (gnomAD). The available evidence is insufficient to determine the role of this variant in disease conclusively. Therefore, this variant is classified as a Variant of Uncertain Significance.